The following is an entry in ClinVar:

ClinVar aggregate classification (germline): Likely benign (0 of 4 stars; one submission).

Conditions:
TSHZ3-related disorder. Also called: TSHZ3-related condition.

Allele frequency attached by ClinVar (database versions not stated): ExAC 0.00005; gnomAD 0.00007; ESP Exome Variant Server 0.00008; 1000 Genomes Project 30x 0.00031; 1000 Genomes Project 0.00040.
gnomAD v4.1: 382 of 1,614,070 alleles (0.024%); highest among the groups gnomAD compares: Non-Finnish European, 0.031%; no homozygotes.

Submission:

PreventionGenetics, part of Exact Sciences
Classification: Likely benign for TSHZ3-related condition. Last evaluated: 2019-03-08. Review status: no assertion criteria provided. Collection method: clinical testing. Allele origin: germline.
Comment: This variant is classified as likely benign based on ACMG/AMP sequence variant interpretation guidelines (Richards et al. 2015 PMID: 25741868, with internal and published modifications).

NM_020856.4(TSHZ3):c.1083G>A (p.Thr361=)

Gene: TSHZ3 (teashirt zinc finger homeobox 3; minus strand). Cytogenetic location: 19q12.
Variant type: single nucleotide variant.
Coding change: c.1083G>A on transcript NM_020856.4 (MANE Select); coding-DNA position 1083, G replaced by A.
Protein change: p.Thr361=; no amino-acid change (threonine 361 retained).
Molecular consequence: synonymous variant.
Genome position (GRCh38, 1-based): chr19:31,278,710, C>T on the plus strand (G>A on the coding strand, the complement: TSHZ3 is on the minus strand). VCF-style: chr19-31278710-C-T. GRCh37 (hg19) VCF-style: chr19-31769616-C-T.
Identifiers: ClinVar variation 3052122 (VCV003052122.2), dbSNP rs142807470, ClinGen allele CA9354346.